The following is an entry in ClinVar:

NM_000101.4(CYBA):c.59-37G>A

Gene: CYBA (cytochrome b-245 alpha chain; minus strand). Cytogenetic location: 16q24.2.
Variant type: single nucleotide variant.
Coding change: c.59-37G>A on transcript NM_000101.4 (MANE Select); 37 bases into the intron before coding-DNA position 59, G replaced by A.
Molecular consequence: intron variant.
Genome position (GRCh38, 1-based): chr16:88,648,151, C>T on the plus strand (G>A on the coding strand, the complement: CYBA is on the minus strand). VCF-style: chr16-88648151-C-T. GRCh37 (hg19) VCF-style: chr16-88714559-C-T.
Identifiers: ClinVar variation 1172932 (VCV001172932.7), dbSNP rs2306422, ClinGen allele CA8228460.

ClinVar aggregate classification (germline): Benign. Review status: criteria provided, multiple submitters, no conflicts (2 of 4 stars). 4 submissions from 4 submitters: Benign (4). Last evaluated 2024-01-24.

Conditions:
Granulomatous disease, chronic, autosomal recessive, cytochrome b-negative. Also called: CGD DUE TO DEFICIENCY OF THE ALPHA SUBUNIT OF CYTOCHROME b; CGD, AUTOSOMAL RECESSIVE CYTOCHROME b-NEGATIVE; CYBA DEFICIENCY; Chronic granulomatous disease, autosomal, due to deficiency of CYBA; GRANULOMATOUS DISEASE, CHRONIC, AUTOSOMAL RECESSIVE, 4. Identifiers: Orphanet 379, MedGen C1856255, MONDO:0009308, OMIM 233690.

Allele frequency attached by ClinVar (database versions not stated): 1000 Genomes Project 30x 0.42723; 1000 Genomes Project 0.43071; TOPMed 0.49329; gnomAD 0.50259 and 0.50403; ESP Exome Variant Server 0.52228; gnomAD exomes 0.57078 and 0.61794; ExAC 0.59249.
gnomAD v4.1: 962,803 of 1,587,932 alleles (61%); highest among the groups gnomAD compares: Non-Finnish European, 65%; 300,807 homozygotes.

Submissions (4):

Unidad de Genómica Garrahan, Hospital de Pediatría Garrahan
Classification: Benign. Last evaluated: 2024-01-24. Review status: criteria provided, single submitter. Criteria: ACMG Guidelines, 2015. Collection method: clinical testing. Allele origin: germline. Affected: no. Observed: 80 variant alleles.
Comment: This variant is classified as Benign based on local population frequency. This variant was detected in 84% of patients studied by a panel of primary immunodeficiencies. Number of patients: 80. Only high quality variants are reported.

Genome-Nilou Lab
Classification: Benign for Granulomatous disease, chronic, autosomal recessive, cytochrome b-negative. Last evaluated: 2021-06-10. Review status: criteria provided, single submitter. Criteria: ACMG Guidelines, 2015. Collection method: clinical testing. Allele origin: germline. Affected: no.

GeneDx
Classification: Benign. Last evaluated: 2015-03-03. Review status: criteria provided, single submitter. Criteria: GeneDx Variant Classification Process June 2021. Collection method: clinical testing. Allele origin: germline. Affected: yes.

Breakthrough Genomics
Classification: Benign. Review status: criteria provided, single submitter. Criteria: ACMG Guidelines, 2015. Collection method: not provided. Allele origin: germline. Inheritance: Autosomal recessive inheritance. Affected: yes.